The following is an entry in ClinVar:

ClinVar aggregate classification (germline): Uncertain significance (1 of 4 stars; one submission).

Allele frequency attached by ClinVar (database versions not stated): ExAC 0.00002; TOPMed below 0.00001; 1000 Genomes Project 30x 0.00016; 1000 Genomes Project 0.00020.
gnomAD v4.1: 8 of 1,614,074 alleles (0.0005%); highest among the groups gnomAD compares: East Asian, 0.018%; no homozygotes.

Submission:

Genetic Services Laboratory, University of Chicago
Classification: Uncertain significance. Last evaluated: 2021-08-30. Review status: criteria provided, single submitter. Criteria: ACMG Guidelines, 2015. Collection method: clinical testing. Allele origin: germline. Affected: no.
Comment: This sequence change does not appear to have been previously described in patients with PDYN-related disorders and has been described in the gnomAD database with a low population frequency of 0.0024% (dbSNP rs536626217). A different nucleotide substitution at the same amino acid residue (p.Ser27Cys) was reported in one individual with ataxia and migraine headache (PMID: 25133958). The p.Ser27Cys change affects a highly conserved amino acid residue located in a domain of the PDYN protein that is known to be functional. In-silico pathogenicity prediction tools (SIFT, PolyPhen2, Align GVGD, REVEL) provide contradictory results for the p.Ser27Cys substitution. Due to these insufficient evidence and the lack of functional studies, the clinical significance of the p.Ser27Cys change remains unknown at this time.

NM_024411.5(PDYN):c.80C>G (p.Ser27Cys)

Genes: PDYN (prodynorphin; minus strand), PDYN-AS1 (PDYN antisense RNA 1; plus strand). Cytogenetic location: 20p13.
Variant type: single nucleotide variant.
Coding change: c.80C>G on transcript NM_024411.5 (MANE Select); coding-DNA position 80, C replaced by G.
Protein change: p.Ser27Cys; replaces serine 27 with cysteine.
Molecular consequence: missense variant.
Genome position (GRCh38, 1-based): chr20:1,983,005, G>C on the plus strand (C>G on the coding strand, the complement: PDYN is on the minus strand). VCF-style: chr20-1983005-G-C. GRCh37 (hg19) VCF-style: chr20-1963651-G-C.
Other names: c.80C>G, p.Ser27Cys (NM_001190892.1, NM_001190898.3, NM_001190899.2 and 1 more transcripts); short protein forms S27C.
Identifiers: ClinVar variation 1334811 (VCV001334811.4), dbSNP rs536626217, ClinGen allele CA9730388.